The following is an entry in ClinVar:

NM_000157.4(GBA1):c.897T>G (p.Ile299Met)

Genes: GBA1 (glucosylceramidase beta 1; minus strand), LOC106627981 (GBA recombination region; plus strand). Cytogenetic location: 1q22.
Variant type: single nucleotide variant.
Coding change: c.897T>G on transcript NM_000157.4 (MANE Select); coding-DNA position 897, T replaced by G.
Protein change: p.Ile299Met; replaces isoleucine 299 with methionine.
Molecular consequence: missense variant.
Genome position (GRCh38, 1-based): chr1:155,237,443, A>C on the plus strand (T>G on the coding strand, the complement: GBA1 is on the minus strand). VCF-style: chr1-155237443-A-C. GRCh37 (hg19) VCF-style: chr1-155207234-A-C.
Other names: c.897T>G, p.Ile299Met (NM_001005741.3, NM_001005742.3); c.636T>G, p.Ile212Met (NM_001171811.2); c.750T>G, p.Ile250Met (NM_001171812.2); short protein forms I212M, I250M, I299M.
Identifiers: ClinVar variation 4817822 (VCV004817822.1).

ClinVar aggregate classification (germline): Likely pathogenic (1 of 4 stars; one submission).

Conditions:
Gaucher disease. Also called: Acute cerebral Gaucher disease; Cerebroside lipidosis syndrome; Gaucher splenomegaly; Sphingolipidosis 1; Glucocerebrosidosis; Glucosylceramidase deficiency. Identifiers: Orphanet 355, MedGen C0017205, MONDO:0018150.

Submission:

Natera, Inc.
Classification: Likely pathogenic for Gaucher disease. Last evaluated: 2025-06-12. Review status: criteria provided, single submitter. Criteria: Natera Variant Classification Schema (03/2026). Collection method: clinical testing. Allele origin: germline.
Comment: The c.897T>G variant in GBA1 is a missense variant predicted to cause substitution of isoleucine to methionine at amino acid 299. This variant is rare in the general population with a frequency below the threshold expected for the associated phenotype(s). This variant has been observed in one or more individuals affected with the associated recessive disease, as either homozygous or compound heterozygous with a second variant (PMID: 23212518). A different variant at the same position has been determined to be Pathogenic or Likely Pathogenic. Computational prediction algorithms indicate this variant is likely to affect gene or protein function. Given the available evidence, this variant is classified as Likely Pathogenic.

Literature cited by the submitters: PubMed 23212518.